The following is an entry in ClinVar:

NM_006623.4(PHGDH):c.35G>T (p.Ser12Ile)

Gene: PHGDH (phosphoglycerate dehydrogenase; plus strand). Cytogenetic location: 1p12.
Variant type: single nucleotide variant.
Coding change: c.35G>T on transcript NM_006623.4 (MANE Select); coding-DNA position 35, G replaced by T.
Protein change: p.Ser12Ile; replaces serine 12 with isoleucine.
Molecular consequence: missense variant.
Genome position (GRCh38, 1-based): chr1:119,712,057, G>T. VCF-style: chr1-119712057-G-T. GRCh37 (hg19) VCF-style: chr1-120254680-G-T.
Other names: short protein forms S12I.
Identifiers: ClinVar variation 2129061 (VCV002129061.4), dbSNP rs2464033321, ClinGen allele CA341414779.

ClinVar aggregate classification (germline): Uncertain significance (1 of 4 stars; one submission).

Conditions:
PHGDH deficiency. Identifiers: Orphanet 79351, MedGen C1866174, MONDO:0011152, OMIM 601815.

Submission:

Labcorp Genetics (formerly Invitae), Labcorp
Classification: Uncertain significance for PHGDH deficiency. Last evaluated: 2022-04-30. Review status: criteria provided, single submitter. Criteria: Invitae Variant Classification Sherloc (09022015). Collection method: clinical testing. Allele origin: germline.
Comment: In summary, the available evidence is currently insufficient to determine the role of this variant in disease. Therefore, it has been classified as a Variant of Uncertain Significance. Algorithms developed to predict the effect of missense changes on protein structure and function are either unavailable or do not agree on the potential impact of this missense change (SIFT: "Tolerated"; PolyPhen-2: "Probably Damaging"; Align-GVGD: "Class C0"). This variant has not been reported in the literature in individuals affected with PHGDH-related conditions. This variant is not present in population databases (gnomAD no frequency). This sequence change replaces serine, which is neutral and polar, with isoleucine, which is neutral and non-polar, at codon 12 of the PHGDH protein (p.Ser12Ile).